The following is an entry in ClinVar:

ClinVar aggregate classification (germline): Benign/Likely benign. Review status: criteria provided, multiple submitters, no conflicts (2 of 4 stars). 2 submissions from 2 submitters: Benign (1); Likely benign (1). Last evaluated 2025-10-22.

Conditions:
Fanconi anemia complementation group J. Also called: BRIP1-Related Fanconi Anemia. Identifiers: Orphanet 84, MedGen C1836860, MONDO:0012187, OMIM 609054.
Familial cancer of breast. Also called: BREAST CANCER, FAMILIAL; hereditary breast carcinoma; Hereditary breast cancer. Identifiers: Orphanet 227535, MedGen C0346153, MONDO:0016419, OMIM 114480. Disease mechanism: loss of function.

Submissions (2):

Labcorp Genetics (formerly Invitae), Labcorp
Classification: Likely benign for Familial cancer of breast; Fanconi anemia complementation group J. Last evaluated: 2025-10-22. Review status: criteria provided, single submitter. Criteria: Invitae Variant Classification Sherloc (09022015). Collection method: clinical testing. Allele origin: germline.

Myriad Genetics, Inc.
Classification: Benign for Familial cancer of breast. Last evaluated: 2024-08-30. Review status: criteria provided, single submitter. Criteria: Myriad Autosomal Dominant, Autosomal Recessive and X-Linked Classification Criteria (2023). Collection method: clinical testing. Allele origin: unknown.
Comment: This variant is considered benign. This variant is a silent/synonymous amino acid change and it is not expected to impact splicing.

NM_032043.3(BRIP1):c.1971T>G (p.Gly657=)

Gene: BRIP1 (BRCA1 interacting DNA helicase 1; minus strand). Cytogenetic location: 17q23.2.
Variant type: single nucleotide variant.
Coding change: c.1971T>G on transcript NM_032043.3 (MANE Select); coding-DNA position 1971, T replaced by G.
Protein change: p.Gly657=; no amino-acid change (glycine 657 retained).
Molecular consequence: synonymous variant.
Genome position (GRCh38, 1-based): chr17:61,776,527, A>C on the plus strand (T>G on the coding strand, the complement: BRIP1 is on the minus strand). VCF-style: chr17-61776527-A-C. GRCh37 (hg19) VCF-style: chr17-59853888-A-C.
Identifiers: ClinVar variation 461089 (VCV000461089.10), dbSNP rs1555601157, ClinGen allele CA501150198.
Genomic context (GRCh38, chr17:61,776,527, plus strand): 5'-TCCCACTTCATCTTGGAACTCAAATGTTTCAGTATTCTGGAAGGTAGCACAGAGATTCCG[A>C]CCCTTGGGGCCTGACCCAATGGTACCAACCCAAACCTAGAATATGAATATGTCATTATTA-3'
Protein context (NP_114432.2, residues 647-667): WVGTIGSGPK[Gly657=]RNLCATFQNT